The following is an entry in ClinVar:

ClinVar aggregate classification (germline): Uncertain significance (1 of 4 stars; one submission).

Conditions:
Pitt-Hopkins-like syndrome 2 (PTHSL2). Identifiers: Orphanet 221150, Orphanet 600663, MedGen C3280479, MONDO:0013690, OMIM 614325.

gnomAD v4.1: 1 of 1,613,322 alleles (0.000062%); no homozygotes.

Submission:

Labcorp Genetics (formerly Invitae), Labcorp
Classification: Uncertain significance for Pitt-Hopkins-like syndrome 2. Last evaluated: 2025-12-13. Review status: criteria provided, single submitter. Criteria: Invitae Variant Classification Sherloc (09022015). Collection method: clinical testing. Allele origin: germline.
Comment: This sequence change replaces isoleucine, which is neutral and non-polar, with threonine, which is neutral and polar, at codon 341 of the NRXN1 protein (p.Ile341Thr). This variant is not present in population databases (gnomAD no frequency). This variant has not been reported in the literature in individuals affected with NRXN1-related conditions. Invitae Evidence Modeling of protein sequence and biophysical properties (such as structural, functional, and spatial information, amino acid conservation, physicochemical variation, residue mobility, and thermodynamic stability) indicates that this missense variant is not expected to disrupt NRXN1 protein function with a negative predictive value of 80%. In summary, the available evidence is currently insufficient to determine the role of this variant in disease. Therefore, it has been classified as a Variant of Uncertain Significance.

NM_001330078.2(NRXN1):c.923T>C (p.Ile308Thr)

Gene: NRXN1 (neurexin 1; minus strand). Cytogenetic location: 2p16.3.
Variant type: single nucleotide variant.
Coding change: c.923T>C on transcript NM_001330078.2 (MANE Select); coding-DNA position 923, T replaced by C.
Protein change: p.Ile308Thr; replaces isoleucine 308 with threonine.
Molecular consequence: missense variant.
Genome position (GRCh38, 1-based): chr2:50,623,525, A>G on the plus strand (T>C on the coding strand, the complement: NRXN1 is on the minus strand). VCF-style: chr2-50623525-A-G. GRCh37 (hg19) VCF-style: chr2-50850663-A-G.
Other names: c.1022T>C, p.Ile341Thr (NM_001135659.3); c.923T>C, p.Ile308Thr (NM_001330077.2, NM_001330082.2, NM_001330085.2 and 3 more transcripts); c.863T>C, p.Ile288Thr (NM_001330083.2, NM_001330084.2, NM_001330087.2 and 1 more transcripts); c.893T>C, p.Ile298Thr (NM_001330088.2); c.920T>C, p.Ile307Thr (NM_001330093.2); c.911T>C, p.Ile304Thr (NM_001330094.2); short protein forms I298T, I288T, I304T, I307T, I341T, I308T.
Identifiers: ClinVar variation 4745254 (VCV004745254.1).